The following is an entry in ClinVar:

NM_000465.4(BARD1):c.812G>A (p.Cys271Tyr)

Gene: BARD1 (BRCA1 associated RING domain 1; minus strand). Cytogenetic location: 2q35.
Variant type: single nucleotide variant.
Coding change: c.812G>A on transcript NM_000465.4 (MANE Select); coding-DNA position 812, G replaced by A.
Protein change: p.Cys271Tyr; replaces cysteine 271 with tyrosine.
Molecular consequence: missense variant. On other transcripts: non-coding transcript variant (2), intron variant (3).
Genome position (GRCh38, 1-based): chr2:214,781,062, C>T on the plus strand (G>A on the coding strand, the complement: BARD1 is on the minus strand). VCF-style: chr2-214781062-C-T. GRCh37 (hg19) VCF-style: chr2-215645786-C-T.
Other names: c.755G>A, p.Cys252Tyr (NM_001282543.2); c.158+28350G>A (NM_001282548.2); c.215+15999G>A (NM_001282545.2); c.364+11235G>A (NM_001282549.2); short protein forms C271Y, C252Y.
Identifiers: ClinVar variation 926256 (VCV000926256.4), dbSNP rs1467019395, ClinGen allele CA350455535.
Genomic context (GRCh38, chr2:214,781,062, plus strand): 5'-GTGTCTGGAGACTCTATTTGCTCAGCCAATGGTAAAGAGACTTCAGTTAAACTTCCAAAA[C>T]ATTCAGATTCTGTCAAGGAGCCACTTGCTAGTAAGTCTATTTCACCATTTATCTGAGGAC-3'
Protein context (NP_000456.2, residues 261-281): LASGSLTESE[Cys271Tyr]FGSLTEVSLP

ClinVar aggregate classification (germline): Uncertain significance (1 of 4 stars; one submission).

Conditions:
Hereditary cancer-predisposing syndrome. Also called: Neoplastic Syndromes, Hereditary; Tumor predisposition; Hereditary Cancer Syndrome; Hereditary neoplastic syndrome. Identifiers: Orphanet 140162, MedGen C0027672, MeSH D009386, MONDO:0015356.

Allele frequency attached by ClinVar (database versions not stated): gnomAD exomes below 0.00001.
gnomAD v4.1: 2 of 1,604,178 alleles (0.00012%); highest among the groups gnomAD compares: East Asian, 0.0022%; no homozygotes.

Submission:

Color Diagnostics, LLC DBA Color Health
Classification: Uncertain significance for Hereditary cancer-predisposing syndrome. Last evaluated: 2023-12-05. Review status: criteria provided, single submitter. Criteria: ACMG Guidelines, 2015. Collection method: clinical testing. Allele origin: germline.
Comment: This missense variant replaces cysteine with tyrosine at codon 271 of the BARD1 protein. Computational prediction suggests that this variant may not impact protein structure and function (internally defined REVEL score threshold <= 0.5, PMID: 27666373). To our knowledge, functional studies have not been reported for this variant. This variant has not been reported in individuals affected with BARD1-related disorders in the literature. This variant has not been identified in the general population by the Genome Aggregation Database (gnomAD). The available evidence is insufficient to determine the role of this variant in disease conclusively. Therefore, this variant is classified as a Variant of Uncertain Significance.